The following is an entry in ClinVar:

NM_006186.4(NR4A2):c.1130C>T (p.Pro377Leu)

Gene: NR4A2 (nuclear receptor subfamily 4 group A member 2; minus strand). Cytogenetic location: 2q24.1.
Variant type: single nucleotide variant.
Coding change: c.1130C>T on transcript NM_006186.4 (MANE Select); coding-DNA position 1130, C replaced by T.
Protein change: p.Pro377Leu; replaces proline 377 with leucine.
Molecular consequence: missense variant.
Genome position (GRCh38, 1-based): chr2:156,327,879, G>A on the plus strand (C>T on the coding strand, the complement: NR4A2 is on the minus strand). VCF-style: chr2-156327879-G-A. GRCh37 (hg19) VCF-style: chr2-157184391-G-A.
Other names: c.941C>T, p.Pro314Leu (NM_173173.3); short protein forms P314L, P377L.
Identifiers: ClinVar variation 4056854 (VCV004056854.1).

ClinVar aggregate classification (germline): Uncertain significance (1 of 4 stars; one submission).

gnomAD v4.1: 1 of 1,590,704 alleles (0.000063%); highest among the groups gnomAD compares: Non-Finnish European, 0.000086%; no homozygotes.

Submission:

GeneDx
Classification: Uncertain significance. Last evaluated: 2025-01-10. Review status: criteria provided, single submitter. Criteria: GeneDx Variant Classification Process June 2021. Collection method: clinical testing. Allele origin: germline. Affected: yes.
Comment: Not observed at significant frequency in large population cohorts (gnomAD); In silico analysis supports that this missense variant has a deleterious effect on protein structure/function; Has not been previously published as pathogenic or benign to our knowledge